The following is an entry in ClinVar:

ClinVar aggregate classification (germline): Likely pathogenic (1 of 4 stars; one submission).

Conditions:
Myopathy due to calsequestrin and SERCA1 protein overload. Also called: Myopathy, vacuolar, with casq1 aggregates. Identifiers: Orphanet 88635, MedGen C4015624, MONDO:0014546, OMIM 616231.

Submission:

Diagnostics Services (NGS), CSIR - Centre For Cellular And Molecular Biology
Classification: Likely pathogenic for Myopathy due to calsequestrin and SERCA1 protein overload. Last evaluated: 2026-07-10. Review status: criteria provided, single submitter. Criteria: ACMG Guidelines, 2015. Collection method: clinical testing. Allele origin: germline. Observed: 1 variant allele, 1 heterozygote.
Comment: The c.390T>G variant is not present in 1000 Genome, EVS, gnomAD, Indian Exome Database or in our internal database. This variant has neither been published in the literature for CASQ1-related conditions nor reported to the HGMD, OMIM, or ClinVar databases, in any affected individuals. In-silico pathogenicity prediction programs like MutationTaster2, CADD, Varsome, Franklin, etc predicted this variant to be likely deleterious. This variant creates a premature translational stop codon at the 130th amino acid position of the wild-type transcript that may either result in translation of a truncated protein or cause nonsense mediated decay of the mRNA.

NM_001231.5(CASQ1):c.390T>G (p.Tyr130Ter)

Gene: CASQ1 (calsequestrin 1; plus strand). Cytogenetic location: 1q23.2.
Variant type: single nucleotide variant.
Coding change: c.390T>G on transcript NM_001231.5 (MANE Select); coding-DNA position 390, T replaced by G.
Protein change: p.Tyr130Ter; replaces tyrosine 130 with a stop codon.
Molecular consequence: nonsense.
Genome position (GRCh38, 1-based): chr1:160,193,772, T>G. VCF-style: chr1-160193772-T-G. GRCh37 (hg19) VCF-style: chr1-160163562-T-G.
Other names: short protein forms Y130*.
Identifiers: ClinVar variation 4884476 (VCV004884476.1).